The following is an entry in ClinVar:

ClinVar aggregate classification (germline): Pathogenic (1 of 4 stars; one submission).

Conditions:
Mucopolysaccharidosis, MPS-II (MPS2). Also called: Hunter Syndrome; IDURONATE 2-SULFATASE DEFICIENCY; Mucopolysaccharidosis Type II; Mucopolysaccharidosis type 2; Attenuated MPS (subtype; formerly known as mild MPS II); Severe MPS II. Identifiers: Orphanet 580, Orphanet 79388, MedGen C0026705, MONDO:0010674, OMIM 309900.

Submission:

Laboratory of Diagnosis and Therapy of Lysosomal Disorders, University of Padova
Classification: Pathogenic for Mucopolysaccharidosis, MPS-II. Last evaluated: 2024-06-07. Review status: criteria provided, single submitter. Criteria: ACMG Guidelines, 2015. Collection method: literature only. Allele origin: germline. Affected: yes. Observed: 1 variant allele.
Comment: Same amino acid change as a pathogenic variant (PS1_Strong), Absent from controls (or at low frequency) in gnomAD database (PM2_Moderate), Missense variant in a gene with a low rate of benign missense variation (PP2_Supporting), Multiple lines of computational evidence support a deleterious effect (PP3_Supporting), Patient’s phenotype or family history highly specific for the disease (PP4_Moderate)

Classification method: ACMG Guidelines [PMID:25741868] with modifications

Literature cited by the submitters: PubMed 24125893.

NM_000202.8(IDS):c.285G>C (p.Arg95Ser)

Gene: IDS (iduronate 2-sulfatase; minus strand). Cytogenetic location: Xq28.
Variant type: single nucleotide variant.
Coding change: c.285G>C on transcript NM_000202.8 (MANE Select); coding-DNA position 285, G replaced by C.
Protein change: p.Arg95Ser; replaces arginine 95 with serine.
Molecular consequence: missense variant. On other transcripts: non-coding transcript variant (1).
Genome position (GRCh38, 1-based): chrX:149,503,445, C>G on the plus strand (G>C on the coding strand, the complement: IDS is on the minus strand). VCF-style: chrX-149503445-C-G. GRCh37 (hg19) VCF-style: chrX-148584975-C-G.
Other names: c.15G>C, p.Arg5Ser (NM_001166550.4); c.285G>C, p.Arg95Ser (NM_006123.5); short protein forms R5S, R95S.
Identifiers: ClinVar variation 3255655 (VCV003255655.2).